The following is an entry in ClinVar:

NM_001330677.2(TBX15):c.769C>T (p.Pro257Ser)

Gene: TBX15 (T-box transcription factor 15; minus strand). Cytogenetic location: 1p12.
Variant type: single nucleotide variant.
Coding change: c.769C>T on transcript NM_001330677.2 (MANE Select); coding-DNA position 769, C replaced by T.
Protein change: p.Pro257Ser; replaces proline 257 with serine.
Molecular consequence: missense variant.
Genome position (GRCh38, 1-based): chr1:118,923,528, G>A on the plus strand (C>T on the coding strand, the complement: TBX15 is on the minus strand). VCF-style: chr1-118923528-G-A. GRCh37 (hg19) VCF-style: chr1-119466151-G-A.
Other names: c.451C>T, p.Pro151Ser (NM_152380.3); short protein forms P151S, P257S.
Identifiers: ClinVar variation 1368624 (VCV001368624.6), dbSNP rs758997437, ClinGen allele CA1035007.

ClinVar aggregate classification (germline): Uncertain significance (1 of 4 stars; one submission).

Allele frequency attached by ClinVar (database versions not stated): gnomAD exomes below 0.00001 and 0.00001; TOPMed below 0.00001; gnomAD 0.00001; ExAC 0.00002.

Submission:

Labcorp Genetics (formerly Invitae), Labcorp
Classification: Uncertain significance. Last evaluated: 2023-09-13. Review status: criteria provided, single submitter. Criteria: Invitae Variant Classification Sherloc (09022015). Collection method: clinical testing. Allele origin: germline.
Comment: This variant has not been reported in the literature in individuals affected with TBX15-related conditions. In summary, the available evidence is currently insufficient to determine the role of this variant in disease. Therefore, it has been classified as a Variant of Uncertain Significance. Advanced modeling of protein sequence and biophysical properties (such as structural, functional, and spatial information, amino acid conservation, physicochemical variation, residue mobility, and thermodynamic stability) performed at Invitae indicates that this missense variant is not expected to disrupt TBX15 protein function. ClinVar contains an entry for this variant (Variation ID: 1368624). This variant is present in population databases (rs758997437, gnomAD 0.002%). This sequence change replaces proline, which is neutral and non-polar, with serine, which is neutral and polar, at codon 151 of the TBX15 protein (p.Pro151Ser).